The following is an entry in ClinVar:

NM_007294.4(BRCA1):c.3834G>A (p.Lys1278=)

Genes: BRCA1 (BRCA1 DNA repair associated; minus strand), LOC126862571 (BRD4-independent group 4 enhancer GRCh37_chr17:41243136-41244335; plus strand). Cytogenetic location: 17q21.31.
Variant type: single nucleotide variant.
Coding change: c.3834G>A on transcript NM_007294.4 (MANE Select); coding-DNA position 3834, G replaced by A.
Protein change: p.Lys1278=; no amino-acid change (lysine 1278 retained).
Molecular consequence: synonymous variant. On other transcripts: intron variant (135).
Genome position (GRCh38, 1-based): chr17:43,091,697, C>T on the plus strand (G>A on the coding strand, the complement: BRCA1 is on the minus strand). VCF-style: chr17-43091697-C-T. GRCh37 (hg19) VCF-style: chr17-41243714-C-T.
Other names: c.524-665G>A (NM_001408500.1, NM_001408497.1, NM_001408496.1 and 3 more transcripts); c.647-665G>A (NM_001408466.1, NM_001408452.1, NM_001408457.1 and 11 more transcripts); c.788-665G>A (NM_001407973.1, NM_001408403.1, NM_001407983.1 and 17 more transcripts); c.404-665G>A (NM_001408511.1); c.521-665G>A (NM_001408505.1, NM_001408504.1, NM_001408503.1); c.461-665G>A (NM_001408507.1, NM_001408506.1); c.545-665G>A (NM_001408495.1); c.662-665G>A (NM_001408448.1, NM_001408445.1, NM_001408432.1 and 6 more transcripts); and 41 more.
Identifiers: ClinVar variation 234227 (VCV000234227.23), dbSNP rs876660942, ClinGen allele CA10580548.

ClinVar aggregate classification (germline): Likely benign. Review status: reviewed by expert panel (3 of 4 stars). 7 submissions from 7 submitters: Likely benign (1). 6 of the submissions do not count toward it. Last evaluated 2017-06-29.

Conditions:
Hereditary cancer-predisposing syndrome. Also called: Tumor predisposition; Hereditary Cancer Syndrome; Neoplastic Syndromes, Hereditary; Hereditary neoplastic syndrome. Identifiers: Orphanet 140162, MedGen C0027672, MeSH D009386, MONDO:0015356.
Hereditary breast ovarian cancer syndrome. Also called: Breast and ovarian cancer; Hereditary breast and ovarian cancer; Hereditary breast and ovarian cancer syndrome; Hereditary breast and/or ovarian cancer syndrome; BRCA1- and BRCA2-Associated Hereditary Breast and Ovarian Cancer; Hereditary breast and ovarian cancer syndrome (HBOC). Identifiers: Orphanet 145, MedGen C0677776, MeSH D061325, MONDO:0003582. Disease mechanism: loss of function.
Breast-ovarian cancer, familial, susceptibility to, 1 (BROVCA1). Also called: BRCA1 Hereditary Breast and Ovarian Cancer; OVARIAN CANCER, SUSCEPTIBILITY TO. Identifiers: Orphanet 145, MedGen C2676676, MONDO:0011450, OMIM 604370. Disease mechanism: loss of function.

Allele frequency attached by ClinVar (database versions not stated): gnomAD exomes below 0.00001.
gnomAD v4.1: 2 of 1,614,178 alleles (0.00012%); highest among the groups gnomAD compares: South Asian, 0.0011%; no homozygotes.

Submissions (7):

Evidence-based Network for the Interpretation of Germline Mutant Alleles (ENIGMA)
Classification: Likely benign for Breast-ovarian cancer, familial, susceptibility to, 1. Last evaluated: 2017-06-29. Review status: reviewed by expert panel. Criteria: ENIGMA BRCA1/2 Classification Criteria (2017-06-29). Collection method: curation. Allele origin: germline.
Comment: Synonymous substitution variant, with low bioinformatic likelihood to result in a splicing aberration (Splicing prior probability 0.02).

Labcorp Genetics (formerly Invitae), Labcorp
Classification: Likely benign for Hereditary breast ovarian cancer syndrome. Last evaluated: 2025-05-14. Review status: criteria provided, single submitter. Criteria: Invitae Variant Classification Sherloc (09022015). Collection method: clinical testing. Allele origin: germline. Not counted in ClinVar's aggregate classification.

All of Us Research Program, National Institutes of Health
Classification: Likely benign for Breast-ovarian cancer, familial, susceptibility to, 1. Last evaluated: 2023-06-26. Review status: criteria provided, single submitter. Criteria: ACMG Guidelines, 2015. Collection method: clinical testing. Allele origin: germline. Inheritance: Autosomal dominant inheritance. Observed: 1 variant allele, 1 heterozygote. Not counted in ClinVar's aggregate classification.
Comment: This study involves interpretation of variants in research participants for the purpose of population health screening. Participant phenotype was not available at the time of variant classification. Additional details can be found in publication PMID: 35346344, PMCID: PMC8962531

Color Diagnostics, LLC DBA Color Health
Classification: Likely benign for Hereditary cancer-predisposing syndrome. Last evaluated: 2021-06-14. Review status: criteria provided, single submitter. Criteria: ACMG Guidelines, 2015. Collection method: clinical testing. Allele origin: germline. Not counted in ClinVar's aggregate classification.

Quest Diagnostics Nichols Institute San Juan Capistrano
Classification: Likely benign. Last evaluated: 2020-02-20. Review status: criteria provided, single submitter. Criteria: Quest Diagnostics criteria. Collection method: clinical testing. Allele origin: unknown. Not counted in ClinVar's aggregate classification.

GeneDx
Classification: Likely benign. Last evaluated: 2016-05-19. Review status: criteria provided, single submitter. Criteria: GeneDx Variant Classification (06012015). Collection method: clinical testing. Allele origin: germline. Affected: yes. Not counted in ClinVar's aggregate classification.
Comment: This variant is considered likely benign or benign based on one or more of the following criteria: it is a conservative change, it occurs at a poorly conserved position in the protein, it is predicted to be benign by multiple in silico algorithms, and/or has population frequency not consistent with disease.

Ambry Genetics
Classification: Likely benign for Hereditary cancer-predisposing syndrome. Last evaluated: 2015-09-28. Review status: criteria provided, single submitter. Criteria: Ambry Variant Classification Scheme 2023. Collection method: clinical testing. Allele origin: germline. Not counted in ClinVar's aggregate classification.